The following is an entry in ClinVar:

NM_001128840.3(CACNA1D):c.5571G>A (p.Ser1857=)

Gene: CACNA1D (calcium voltage-gated channel subunit alpha1 D; plus strand). Cytogenetic location: 3p21.1.
Variant type: single nucleotide variant.
Coding change: c.5571G>A on transcript NM_001128840.3 (MANE Select); coding-DNA position 5571, G replaced by A.
Protein change: p.Ser1857=; no amino-acid change (serine 1857 retained).
Molecular consequence: synonymous variant.
Genome position (GRCh38, 1-based): chr3:53,803,558, G>A. VCF-style: chr3-53803558-G-A. GRCh37 (hg19) VCF-style: chr3-53837585-G-A.
Other names: c.5631G>A, p.Ser1877= (NM_000720.4); c.5499G>A, p.Ser1833= (NM_001128839.3).
Identifiers: ClinVar variation 760777 (VCV000760777.9), dbSNP rs760204394, ClinGen allele CA2455173.

ClinVar aggregate classification (germline): Likely benign. Review status: criteria provided, multiple submitters, no conflicts (2 of 4 stars). 2 submissions from 2 submitters: Likely benign (2). Last evaluated 2026-06-01.

Allele frequency attached by ClinVar (database versions not stated): ExAC 0.00002; gnomAD 0.00004 and 0.00006; TOPMed 0.00006.
gnomAD v4.1: 30 of 1,613,896 alleles (0.0019%); highest among the groups gnomAD compares: Admixed American, 0.015%; no homozygotes.

Submissions (2):

CeGaT Center for Human Genetics Tuebingen
Classification: Likely benign. Last evaluated: 2026-06-01. Review status: criteria provided, single submitter. Criteria: CeGaT Center For Human Genetics Tuebingen Variant Classification Criteria Version 2. Collection method: clinical testing. Allele origin: germline. Affected: yes. Observed: 1 variant allele.
Comment: CACNA1D: BP4, BP7

Labcorp Genetics (formerly Invitae), Labcorp
Classification: Likely benign. Last evaluated: 2025-10-26. Review status: criteria provided, single submitter. Criteria: Invitae Variant Classification Sherloc (09022015). Collection method: clinical testing. Allele origin: germline.